The following is an entry in ClinVar:

NM_001112741.2(KCNC1):c.1267G>T (p.Ala423Ser)

Gene: KCNC1 (potassium voltage-gated channel subfamily C member 1; plus strand). Cytogenetic location: 11p15.1.
Variant type: single nucleotide variant.
Coding change: c.1267G>T on transcript NM_001112741.2 (MANE Select); coding-DNA position 1267, G replaced by T.
Protein change: p.Ala423Ser; replaces alanine 423 with serine.
Molecular consequence: missense variant.
Genome position (GRCh38, 1-based): chr11:17,772,361, G>T. VCF-style: chr11-17772361-G-T. GRCh37 (hg19) VCF-style: chr11-17793908-G-T.
Other names: c.1267G>T, p.Ala423Ser (NM_004976.4); short protein forms A423S.
Identifiers: ClinVar variation 1449060 (VCV001449060.6), dbSNP rs2133805436, ClinGen allele CA379808883.

ClinVar aggregate classification (germline): Uncertain significance (1 of 4 stars; one submission).

Conditions:
Progressive myoclonic epilepsy type 7. Identifiers: Orphanet 435438, MedGen C4015420, MONDO:0014521, OMIM 616187.

Submission:

Labcorp Genetics (formerly Invitae), Labcorp
Classification: Uncertain significance for Progressive myoclonic epilepsy type 7. Last evaluated: 2021-11-05. Review status: criteria provided, single submitter. Criteria: Invitae Variant Classification Sherloc (09022015). Collection method: clinical testing. Allele origin: germline.
Comment: In summary, the available evidence is currently insufficient to determine the role of this variant in disease. Therefore, it has been classified as a Variant of Uncertain Significance. Advanced modeling of protein sequence and biophysical properties (such as structural, functional, and spatial information, amino acid conservation, physicochemical variation, residue mobility, and thermodynamic stability) performed at Invitae indicates that this missense variant is expected to disrupt KCNC1 protein function. This missense change has been observed in individual(s) with clinical features of KCNC1-related conditions (Invitae). This variant is not present in population databases (gnomAD no frequency). This sequence change replaces alanine, which is neutral and non-polar, with serine, which is neutral and polar, at codon 423 of the KCNC1 protein (p.Ala423Ser).